The following is an entry in ClinVar:

NM_004592.4(SFSWAP):c.1401C>T (p.Val467=)

Gene: SFSWAP (splicing factor SWAP; plus strand). Cytogenetic location: 12q24.33.
Variant type: single nucleotide variant.
Coding change: c.1401C>T on transcript NM_004592.4 (MANE Select); coding-DNA position 1401, C replaced by T.
Protein change: p.Val467=; no amino-acid change (valine 467 retained).
Molecular consequence: synonymous variant.
Genome position (GRCh38, 1-based): chr12:131,754,446, C>T. VCF-style: chr12-131754446-C-T. GRCh37 (hg19) VCF-style: chr12-132238991-C-T.
Other names: c.1401C>T, p.Val467= (NM_001261411.2).
Identifiers: ClinVar variation 2643603 (VCV002643603.24), dbSNP rs1198722719, ClinGen allele CA482669671.
Genomic context (GRCh38, chr12:131,754,446, plus strand): 5'-CGCCATCATCCCCCCGCCCCCCGACGTCCAGCCCGTGATTGACAAGCTGGCCGAGTATGT[C>T]GCCAGGAACGGCCTGAAGTTCGAGACCAGTGTTCGTGCCAAGAATGATCAAAGGTCAGAA-3'
Protein context (NP_004583.2, residues 457-477): QPVIDKLAEY[Val467=]ARNGLKFETS

ClinVar aggregate classification (germline): Likely benign (1 of 4 stars; one submission).

gnomAD v4.1: 5 of 1,603,474 alleles (0.00031%); highest among the groups gnomAD compares: South Asian, 0.0011%; no homozygotes.

Submission:

CeGaT Center for Human Genetics Tuebingen
Classification: Likely benign. Last evaluated: 2022-06-01. Review status: criteria provided, single submitter. Criteria: CeGaT Center For Human Genetics Tuebingen Variant Classification Criteria Version 2. Collection method: clinical testing. Allele origin: germline. Affected: yes. Observed: 1 variant allele.
Comment: SFSWAP: BP4, BP7